The following is an entry in ClinVar:

ClinVar aggregate classification (germline): Uncertain significance. Review status: criteria provided, multiple submitters, no conflicts (2 of 4 stars). 2 submissions from 2 submitters: Uncertain significance (2). Last evaluated 2024-05-10.

Conditions:
Ehlers-Danlos syndrome, classic type, 1 (EDSCL1). Also called: EDS I; EHLERS-DANLOS SYNDROME, GRAVIS TYPE; EHLERS-DANLOS SYNDROME, SEVERE CLASSIC TYPE; Ehlers-Danlos Syndrome, Classic Type, COL5A1-Related; Ehlers-Danlos syndrome, type 1. Identifiers: MedGen C0268335, MONDO:0019567, OMIM 130000.

Allele frequency attached by ClinVar (database versions not stated): gnomAD exomes below 0.00001.
gnomAD v4.1: 1 of 1,606,246 alleles (0.000062%); highest among the groups gnomAD compares: Non-Finnish European, 0.000085%; no homozygotes.

Submissions (2):

Blueprint Genetics
Classification: Uncertain significance. Last evaluated: 2024-05-10. Review status: criteria provided, single submitter. Criteria: ACMG Guidelines, 2015. Collection method: clinical testing. Allele origin: germline.

Labcorp Genetics (formerly Invitae), Labcorp
Classification: Uncertain significance for Ehlers-Danlos syndrome, classic type, 1. Last evaluated: 2022-12-02. Review status: criteria provided, single submitter. Criteria: Invitae Variant Classification Sherloc (09022015). Collection method: clinical testing. Allele origin: germline.
Comment: In summary, the available evidence is currently insufficient to determine the role of this variant in disease. Therefore, it has been classified as a Variant of Uncertain Significance. This sequence change replaces proline, which is neutral and non-polar, with glutamine, which is neutral and polar, at codon 1048 of the COL5A2 protein (p.Pro1048Gln). This variant is not present in population databases (gnomAD no frequency). This variant has not been reported in the literature in individuals affected with COL5A2-related conditions. ClinVar contains an entry for this variant (Variation ID: 838614). Advanced modeling of protein sequence and biophysical properties (such as structural, functional, and spatial information, amino acid conservation, physicochemical variation, residue mobility, and thermodynamic stability) performed at Invitae indicates that this missense variant is not expected to disrupt COL5A2 protein function.

NM_000393.5(COL5A2):c.3143C>A (p.Pro1048Gln)

Gene: COL5A2 (collagen type V alpha 2 chain; minus strand). Cytogenetic location: 2q32.2.
Variant type: single nucleotide variant.
Coding change: c.3143C>A on transcript NM_000393.5 (MANE Select); coding-DNA position 3143, C replaced by A.
Protein change: p.Pro1048Gln; replaces proline 1048 with glutamine.
Molecular consequence: missense variant.
Genome position (GRCh38, 1-based): chr2:189,049,351, G>T on the plus strand (C>A on the coding strand, the complement: COL5A2 is on the minus strand). VCF-style: chr2-189049351-G-T. GRCh37 (hg19) VCF-style: chr2-189914077-G-T.
Other names: short protein forms P1048Q.
Identifiers: ClinVar variation 838614 (VCV000838614.12), dbSNP rs1685734191, ClinGen allele CA349865028.
Genomic context (GRCh38, chr2:189,049,351, plus strand): 5'-ATTGTTTCCATGACACCAGATAACAAGAGAAGAGTTATTTTCACTGTAGTACTCACTTCT[G>T]GTCCAGGTTCCCCTACAGGACCATTGGAGCCTGGGGGCCCCACAGGTCCAGGTGGACCTT-3'
Protein context (NP_000384.2, residues 1038-1058): GSNGPVGEPG[Pro1048Gln]EGPAGNDGTP